The following is an entry in ClinVar:

ClinVar aggregate classification (germline): Uncertain significance. Review status: criteria provided, multiple submitters, no conflicts (2 of 4 stars). 3 submissions from 3 submitters: Uncertain significance (3). Last evaluated 2025-02-25.

Conditions:
PRPF31-related disorder. Also called: PRPF31-related condition.

Allele frequency attached by ClinVar (database versions not stated): gnomAD exomes 0.00002 and 0.00003; ExAC 0.00005; gnomAD 0.00007; ESP Exome Variant Server 0.00016; 1000 Genomes Project 0.00020.
gnomAD v4.1: 32 of 1,535,970 alleles (0.0021%); highest among the groups gnomAD compares: Admixed American, 0.022%; no homozygotes.

Submissions (3):

PreventionGenetics, part of Exact Sciences
Classification: Uncertain significance for PRPF31-related condition. Last evaluated: 2025-02-25. Review status: criteria provided, single submitter. Criteria: ACMG Guidelines, 2015. Collection method: clinical testing. Allele origin: germline.
Comment: The PRPF31 c.1114C>T variant is predicted to result in the amino acid substitution p.Arg372Trp. To our knowledge, this variant has not been reported in the literature. This variant is reported in 0.012% of alleles in individuals of Latino descent in gnomAD. Although we suspect that this variant may be benign, at this time, the clinical significance of this variant is uncertain due to the absence of conclusive functional and genetic evidence.

Labcorp Genetics (formerly Invitae), Labcorp
Classification: Uncertain significance. Last evaluated: 2025-02-03. Review status: criteria provided, single submitter. Criteria: Invitae Variant Classification Sherloc (09022015). Collection method: clinical testing. Allele origin: germline.
Comment: This sequence change replaces arginine, which is basic and polar, with tryptophan, which is neutral and slightly polar, at codon 372 of the PRPF31 protein (p.Arg372Trp). This variant is present in population databases (rs373249122, gnomAD 0.01%). This variant has not been reported in the literature in individuals affected with PRPF31-related conditions. ClinVar contains an entry for this variant (Variation ID: 1475615). An algorithm developed to predict the effect of missense changes on protein structure and function (PolyPhen-2) suggests that this variant is likely to be disruptive. In summary, the available evidence is currently insufficient to determine the role of this variant in disease. Therefore, it has been classified as a Variant of Uncertain Significance.

Blueprint Genetics
Classification: Uncertain significance. Last evaluated: 2022-11-04. Review status: criteria provided, single submitter. Criteria: ACMG Guidelines, 2015. Collection method: clinical testing. Allele origin: germline.

NM_015629.4(PRPF31):c.1114C>T (p.Arg372Trp)

Gene: PRPF31 (pre-mRNA processing factor 31; plus strand). Cytogenetic location: 19q13.42.
Variant type: single nucleotide variant.
Coding change: c.1114C>T on transcript NM_015629.4 (MANE Select); coding-DNA position 1114, C replaced by T.
Protein change: p.Arg372Trp; replaces arginine 372 with tryptophan.
Molecular consequence: missense variant.
Genome position (GRCh38, 1-based): chr19:54,128,345, C>T. VCF-style: chr19-54128345-C-T. GRCh37 (hg19) VCF-style: chr19-54631720-C-T.
Other names: c.1114C>T (NM_015629.3); short protein forms R372W.
Identifiers: ClinVar variation 1475615 (VCV001475615.10), dbSNP rs373249122, ClinGen allele CA309329559.